The following is an entry in ClinVar:

ClinVar aggregate classification (germline): Pathogenic. Review status: criteria provided, single submitter (1 of 4 stars). 2 submissions from 2 submitters: Pathogenic (1). 1 of the submissions does not count toward it. Last evaluated 2024-09-01.

Conditions:
ALG6-congenital disorder of glycosylation 1C (CDG1C). Also called: Congenital disorder of glycosylation, type Ic; CARBOHYDRATE-DEFICIENT GLYCOPROTEIN SYNDROME, TYPE I, WITH DEFICIENT GLYCOSYLATION OF DOLICHOL-LINKED OLIGOSACCHARIDE; CARBOHYDRATE-DEFICIENT GLYCOPROTEIN SYNDROME, TYPE V; Congenital disorder of glycosylation type 1C; CDG Ic. Identifiers: Orphanet 79320, MedGen C2930997, MONDO:0011291, OMIM 603147.

Submissions (2):

Labcorp Genetics (formerly Invitae), Labcorp
Classification: Pathogenic for ALG6-congenital disorder of glycosylation 1C. Last evaluated: 2024-09-01. Review status: criteria provided, single submitter. Criteria: Invitae Variant Classification Sherloc (09022015). Collection method: clinical testing. Allele origin: germline.
Comment: This sequence change creates a premature translational stop signal (p.Ser390Leufs*3) in the ALG6 gene. It is expected to result in an absent or disrupted protein product. Loss-of-function variants in ALG6 are known to be pathogenic (PMID: 19862844). This variant is present in population databases (rs769698652, gnomAD 0.002%). This variant has not been reported in the literature in individuals affected with ALG6-related conditions. ClinVar contains an entry for this variant (Variation ID: 552130). For these reasons, this variant has been classified as Pathogenic.

Counsyl
Classification: Likely pathogenic for ALG6-congenital disorder of glycosylation 1C. Last evaluated: 2017-05-23. Review status: no assertion criteria provided. Collection method: clinical testing. Allele origin: unknown. Not counted in ClinVar's aggregate classification.

Literature cited by the submitters: PubMed 19862844 (cited by Labcorp Genetics (formerly Invitae), Labcorp).

NM_013339.4(ALG6):c.1167del (p.Ser390fs)

Gene: ALG6 (ALG6 alpha-1,3-glucosyltransferase; plus strand). Cytogenetic location: 1p31.3.
Variant type: Deletion.
Coding change: c.1167del on transcript NM_013339.4 (MANE Select); coding-DNA position 1167, one base deleted (C; older notation c.1167delC).
Protein change: p.Ser390fs; shifts the reading frame from serine 390.
Molecular consequence: frameshift variant.
Genome position (GRCh38, 1-based): chr1:63,428,967, C deleted; the last of 3 consecutive C bases (chr1:63,428,965-63,428,967); deleting any one gives the same sequence. VCF-style (leftmost placement, unchanged base first): chr1-63428964-GC-G. GRCh37 (hg19) VCF-style: chr1-63894635-GC-G.
Other names: c.1167del, p.Ser390fs (LRG_1260t1); short protein forms S390fs.
Identifiers: ClinVar variation 552130 (VCV000552130.9), dbSNP rs769698652, ClinGen allele CA888398.
Genomic context (GRCh38, chr1:63,428,964, plus strand): 5'-ATTTTTAAAAATTTTCCTTTACAGTATGCTACCTCTTCTATTGAAGGATGAACTCCTAAT[GC>G]CCTCTGTTGTGACAACAATGGCATTTTTTATAGCTTGTGTAACTTCCTTTTCAATATTTG-3'